The following is an entry in ClinVar:

NM_003611.3(OFD1):c.2046T>G (p.Ile682Met)

Gene: OFD1 (OFD1 centriole and centriolar satellite protein; plus strand). Cytogenetic location: Xp22.2.
Variant type: single nucleotide variant.
Coding change: c.2046T>G on transcript NM_003611.3 (MANE Select); coding-DNA position 2046, T replaced by G.
Protein change: p.Ile682Met; replaces isoleucine 682 with methionine.
Molecular consequence: missense variant.
Genome position (GRCh38, 1-based): chrX:13,760,506, T>G. VCF-style: chrX-13760506-T-G. GRCh37 (hg19) VCF-style: chrX-13778625-T-G.
Other names: c.1926T>G, p.Ile642Met (NM_001330209.2); c.1626T>G, p.Ile542Met (NM_001330210.2); short protein forms I542M, I682M, I642M.
Identifiers: ClinVar variation 2952786 (VCV002952786.3), dbSNP rs2518939678, ClinGen allele CA412344399.

ClinVar aggregate classification (germline): Uncertain significance (1 of 4 stars; one submission).

Conditions:
Joubert syndrome. Also called: CEREBELLOPARENCHYMAL DISORDER IV; JOUBERT-BOLTSHAUSER SYNDROME; Familial aplasia of the vermis. Identifiers: Orphanet 475, MedGen C5979921, MONDO:0018772.
Orofaciodigital syndrome I (OFD1). Also called: OFDS I; Papillon-Leage and Psaume Syndrome; Oral-Facial-Digital Syndrome Type I. Identifiers: Orphanet 2750, MedGen C1510460, MONDO:0010702, OMIM 311200.

Submission:

Labcorp Genetics (formerly Invitae), Labcorp
Classification: Uncertain significance for Orofaciodigital syndrome I; Joubert syndrome. Last evaluated: 2023-10-12. Review status: criteria provided, single submitter. Criteria: Invitae Variant Classification Sherloc (09022015). Collection method: clinical testing. Allele origin: germline.
Comment: This sequence change replaces isoleucine, which is neutral and non-polar, with methionine, which is neutral and non-polar, at codon 682 of the OFD1 protein (p.Ile682Met). This variant is not present in population databases (gnomAD no frequency). This variant has not been reported in the literature in individuals affected with OFD1-related conditions. Advanced modeling of protein sequence and biophysical properties (such as structural, functional, and spatial information, amino acid conservation, physicochemical variation, residue mobility, and thermodynamic stability) performed at Invitae indicates that this missense variant is not expected to disrupt OFD1 protein function. In summary, the available evidence is currently insufficient to determine the role of this variant in disease. Therefore, it has been classified as a Variant of Uncertain Significance.